The following is an entry in ClinVar:

ClinVar aggregate classification (germline): Uncertain significance (1 of 4 stars; one submission).

gnomAD v4.1: 2 of 1,201,801 alleles (0.00017%); highest among the groups gnomAD compares: Non-Finnish European, 0.00022%; no homozygotes.

Submission:

Labcorp Genetics (formerly Invitae), Labcorp
Classification: Uncertain significance. Last evaluated: 2025-05-30. Review status: criteria provided, single submitter. Criteria: Invitae Variant Classification Sherloc (09022015). Collection method: clinical testing. Allele origin: germline.
Comment: This sequence change replaces alanine, which is neutral and non-polar, with threonine, which is neutral and polar, at codon 60 of the PIH1D3 protein (p.Ala60Thr). This variant is not present in population databases (gnomAD no frequency). This variant has not been reported in the literature in individuals affected with PIH1D3-related conditions. An algorithm developed to predict the effect of missense changes on protein structure and function (PolyPhen-2) suggests that this variant is likely to be tolerated. In summary, the available evidence is currently insufficient to determine the role of this variant in disease. Therefore, it has been classified as a Variant of Uncertain Significance.

NM_173494.2(DNAAF6):c.178G>A (p.Ala60Thr)

Gene: DNAAF6 (dynein axonemal assembly factor 6; plus strand). Cytogenetic location: Xq22.3.
Variant type: single nucleotide variant.
Coding change: c.178G>A on transcript NM_173494.2 (MANE Select); coding-DNA position 178, G replaced by A.
Protein change: p.Ala60Thr; replaces alanine 60 with threonine.
Molecular consequence: missense variant.
Genome position (GRCh38, 1-based): chrX:107,216,695, G>A. VCF-style: chrX-107216695-G-A. GRCh37 (hg19) VCF-style: chrX-106459925-G-A.
Other names: c.178G>A, p.Ala60Thr (NM_001169154.2); short protein forms A60T.
Identifiers: ClinVar variation 4765039 (VCV004765039.1).